The following is an entry in ClinVar:

ClinVar aggregate classification (germline): Uncertain significance (1 of 4 stars; one submission).

Conditions:
Inborn genetic diseases. Identifiers: MedGen C0950123, MeSH D030342.

Submission:

Ambry Genetics
Classification: Uncertain significance for Inborn genetic diseases. Last evaluated: 2023-06-01. Review status: criteria provided, single submitter. Criteria: Ambry Variant Classification Scheme 2023. Collection method: clinical testing. Allele origin: germline.
Comment: The p.A198P variant (also known as c.592G>C), located in coding exon 6 of the BUB1B gene, results from a G to C substitution at nucleotide position 592. The alanine at codon 198 is replaced by proline, an amino acid with highly similar properties. This amino acid position is conserved. In addition, the in silico prediction for this alteration is inconclusive. Since supporting evidence is limited at this time, the clinical significance of this alteration remains unclear.

NM_001211.6(BUB1B):c.592G>C (p.Ala198Pro)

Gene: BUB1B (BUB1 mitotic checkpoint serine/threonine kinase B; plus strand). Cytogenetic location: 15q15.1.
Variant type: single nucleotide variant.
Coding change: c.592G>C on transcript NM_001211.6 (MANE Select); coding-DNA position 592, G replaced by C.
Protein change: p.Ala198Pro; replaces alanine 198 with proline.
Molecular consequence: missense variant.
Genome position (GRCh38, 1-based): chr15:40,183,724, G>C. VCF-style: chr15-40183724-G-C. GRCh37 (hg19) VCF-style: chr15-40475925-G-C.
Other names: short protein forms A198P.
Identifiers: ClinVar variation 2565477 (VCV002565477.2), dbSNP rs2542533268, ClinGen allele CA391683053.